The following is an entry in ClinVar:

NM_000026.4(ADSL):c.11G>C (p.Gly4Ala)

Gene: ADSL (adenylosuccinate lyase; plus strand). Cytogenetic location: 22q13.1.
Variant type: single nucleotide variant.
Coding change: c.11G>C on transcript NM_000026.4 (MANE Select); coding-DNA position 11, G replaced by C.
Protein change: p.Gly4Ala; replaces glycine 4 with alanine.
Molecular consequence: missense variant. On other transcripts: 5 prime UTR variant (1), non-coding transcript variant (1).
Genome position (GRCh38, 1-based): chr22:40,346,569, G>C. VCF-style: chr22-40346569-G-C. GRCh37 (hg19) VCF-style: chr22-40742573-G-C.
Other names: c.11G>C (NM_000026.2); c.11G>C, p.Gly4Ala (NM_001123378.3, NM_001363840.3); c.-127G>C (NM_001317923.2); short protein forms G4A.
Identifiers: ClinVar variation 1484277 (VCV001484277.7), dbSNP rs766546584, ClinGen allele CA411632580.

ClinVar aggregate classification (germline): Conflicting classifications of pathogenicity. Review status: criteria provided, conflicting classifications (1 of 4 stars). 2 submissions from 2 submitters: Uncertain significance (1); Likely benign (1). Last evaluated 2024-02-05.

Conditions:
Inborn genetic diseases. Identifiers: MedGen C0950123, MeSH D030342.
Adenylosuccinate lyase deficiency (ADSLD). Also called: ADSL DEFICIENCY. Identifiers: Orphanet 46, MedGen C0268126, MONDO:0007068, OMIM 103050.

gnomAD v4.1: 4 of 1,605,174 alleles (0.00025%); highest among the groups gnomAD compares: African/African-American, 0.0013%; no homozygotes.

Submissions (2):

Labcorp Genetics (formerly Invitae), Labcorp
Classification: Uncertain significance for Adenylosuccinate lyase deficiency. Last evaluated: 2024-02-05. Review status: criteria provided, single submitter. Criteria: Invitae Variant Classification Sherloc (09022015). Collection method: clinical testing. Allele origin: germline.
Comment: This sequence change replaces glycine, which is neutral and non-polar, with alanine, which is neutral and non-polar, at codon 4 of the ADSL protein (p.Gly4Ala). This variant is not present in population databases (gnomAD no frequency). This variant has not been reported in the literature in individuals affected with ADSL-related conditions. ClinVar contains an entry for this variant (Variation ID: 1484277). Advanced modeling of protein sequence and biophysical properties (such as structural, functional, and spatial information, amino acid conservation, physicochemical variation, residue mobility, and thermodynamic stability) performed at Invitae indicates that this missense variant is not expected to disrupt ADSL protein function with a negative predictive value of 95%. In summary, the available evidence is currently insufficient to determine the role of this variant in disease. Therefore, it has been classified as a Variant of Uncertain Significance.

Ambry Genetics
Classification: Likely benign for Inborn genetic diseases. Last evaluated: 2023-10-17. Review status: criteria provided, single submitter. Criteria: Ambry Variant Classification Scheme 2023. Collection method: clinical testing. Allele origin: germline.